The following is an entry in ClinVar:

ClinVar aggregate classification (germline): Likely pathogenic (1 of 4 stars; one submission).

Conditions:
Niemann-Pick disease, type A. Also called: SPHINGOMYELIN LIPIDOSIS; SPHINGOMYELINASE DEFICIENCY; Infantile Neurovisceral ASMD (Niemann-Pick Disease Type A; NPD-A). Identifiers: Orphanet 77292, MedGen C0268242, MONDO:0009756, OMIM 257200. Disease mechanism: loss of function.

Submission:

Natera, Inc.
Classification: Likely pathogenic for Niemann-Pick Disease, Types A/B. Last evaluated: 2024-11-15. Review status: criteria provided, single submitter. Criteria: Natera Variant Classification Schema (03/2026). Collection method: clinical testing. Allele origin: germline.
Comment: The c.741_742delCGinsGC variant in SMPD1 is a deletion-insertion (delins) variant predicted to replace one or more nucleotides with a different sequence. This variant is rare in the general population with a frequency below the threshold expected for the associated phenotype(s). Functional studies show that this variant may disrupt protein function (PMID: 8664904). A different variant at the same position has been determined to be Pathogenic or Likely Pathogenic. Computational prediction algorithms indicate this variant is likely to affect gene or protein function. Given the available evidence, this variant is classified as Likely Pathogenic.

Literature cited by the submitters: PubMed 8664904.

NM_000543.5(SMPD1):c.741_742delinsGC (p.Glu248Gln)

Gene: SMPD1 (sphingomyelin phosphodiesterase 1; plus strand). Cytogenetic location: 11p15.4.
Variant type: Indel.
Coding change: c.741_742delinsGC on transcript NM_000543.5 (MANE Select); coding-DNA positions 741 to 742, CG replaced by GC.
Protein change: p.Glu248Gln; replaces glutamic acid 248 with glutamine.
Molecular consequence: missense variant. On other transcripts: 5 prime UTR variant (1), non-coding transcript variant (1).
Genome position (GRCh38, 1-based): chr11:6,391,806-6,391,807, CG replaced by GC. VCF-style: chr11-6391806-CG-GC. GRCh37 (hg19) VCF-style: chr11-6413036-CG-GC.
Other names: c.738_739delinsGC, p.Glu247Gln (NM_001007593.3); c.741_742delinsGC, p.Glu248Gln (NM_001318087.2, NM_001365135.2); c.-221_-220delinsGC (NM_001318088.2); short protein forms E247Q, E248Q.
Identifiers: ClinVar variation 4814356 (VCV004814356.1).